The following is an entry in ClinVar:

ClinVar aggregate classification (germline): Benign. Review status: criteria provided, multiple submitters, no conflicts (2 of 4 stars). 5 submissions from 4 submitters: Benign (3). 2 of the submissions do not count toward it. Last evaluated 2026-02-01.

Conditions:
Familial pulmonary capillary hemangiomatosis (PVOD2). Also called: Pulmonary venoocclusive disease 2, autosomal recessive; Pulmonary venoocclusive disease 2. Identifiers: Orphanet 199241, MedGen C0340848, MONDO:0009329, OMIM 234810.
EIF2AK4-related disorder. Also called: EIF2AK4-related condition.

Submissions (5):

Labcorp Genetics (formerly Invitae), Labcorp
Classification: Benign. Last evaluated: 2026-02-01. Review status: criteria provided, single submitter. Criteria: Invitae Variant Classification Sherloc (09022015). Collection method: clinical testing. Allele origin: germline.

ARUP Laboratories, Molecular Genetics and Genomics, ARUP Laboratories
Classification: Benign for Familial pulmonary capillary hemangiomatosis. Last evaluated: 2025-06-19. Review status: criteria provided, single submitter. Criteria: ARUP Molecular Germline Variant Investigation Process 2024. Collection method: clinical testing. Allele origin: germline.

GeneDx
Classification: Benign. Last evaluated: 2020-05-19. Review status: criteria provided, single submitter. Criteria: GeneDx Variant Classification Process June 2021. Collection method: clinical testing. Allele origin: germline. Affected: yes.

PreventionGenetics, part of Exact Sciences
Classification: Benign for EIF2AK4-related condition. Last evaluated: 2019-07-10. Review status: no assertion criteria provided. Collection method: clinical testing. Allele origin: germline. Not counted in ClinVar's aggregate classification.
Comment: This variant is classified as benign based on ACMG/AMP sequence variant interpretation guidelines (Richards et al. 2015 PMID: 25741868, with internal and published modifications).

GeneDx
Classification: Benign. Last evaluated: 2018-02-05. Review status: flagged submission. Criteria: GeneDx Variant Classification (06012015). Collection method: clinical testing. Allele origin: germline. Affected: yes. Not counted in ClinVar's aggregate classification.
Comment: This variant is considered likely benign or benign based on one or more of the following criteria: it is a conservative change, it occurs at a poorly conserved position in the protein, it is predicted to be benign by multiple in silico algorithms, and/or has population frequency not consistent with disease.
ClinVar note: Reason: This record appears to be redundant with a more recent record from the same submitter.
ClinVar note: Notes: SCV000730222 appears to be redundant with SCV001948891.

NM_001013703.4(EIF2AK4):c.4893-20TCTTT[2]

Gene: EIF2AK4 (eukaryotic translation initiation factor 2 alpha kinase 4; plus strand). Cytogenetic location: 15q15.1.
Variant type: Microsatellite.
Coding change: c.4893-20TCTTT[2] on transcript NM_001013703.4 (MANE Select); two copies in a row of the 5-base unit TCTTT starting at c.4893-20.
Molecular consequence: intron variant.
Genome position: GRCh38 VCF-style: chr15-40035006-ATCTTT-A. GRCh37 (hg19) VCF-style: chr15-40327207-ATCTTT-A.
Other names: c.4893-9_4893-5del5 (NM_001013703.3); c.4893-20_4893-16delTCTTT (NM_001013703.3).
Identifiers: ClinVar variation 516758 (VCV000516758.22), dbSNP rs138634589, ClinGen allele CA7474817.